The following is an entry in ClinVar:

NM_001365536.1(SCN9A):c.1094A>G (p.Asn365Ser)

Genes: SCN1A-AS1 (SCN1A and SCN9A antisense RNA 1; plus strand), SCN9A (sodium voltage-gated channel alpha subunit 9; minus strand). Cytogenetic location: 2q24.3.
Variant type: single nucleotide variant.
Coding change: c.1094A>G on transcript NM_001365536.1 (MANE Select); coding-DNA position 1094, A replaced by G.
Protein change: p.Asn365Ser; replaces asparagine 365 with serine.
Molecular consequence: missense variant.
Genome position (GRCh38, 1-based): chr2:166,293,244, T>C on the plus strand (A>G on the coding strand, the complement: SCN9A is on the minus strand). VCF-style: chr2-166293244-T-C. GRCh37 (hg19) VCF-style: chr2-167149754-T-C.
Other names: c.1094A>G, p.Asn365Ser (NM_002977.4); short protein forms N365S.
Identifiers: ClinVar variation 331995 (VCV000331995.17), dbSNP rs886055055, ClinGen allele CA10612539.

ClinVar aggregate classification (germline): Uncertain significance. Review status: criteria provided, multiple submitters, no conflicts (2 of 4 stars). 5 submissions from 3 submitters: Uncertain significance (5). Last evaluated 2024-11-20.

Conditions:
Paroxysmal extreme pain disorder (PEXPD). Also called: PAIN, SUBMANDIBULAR, OCULAR, AND RECTAL, WITH FLUSHING; RECTAL PAIN, FAMILIAL; SCN9A Paroxysmal Extreme Pain Disorder (SCN9A-PEPD). Identifiers: Orphanet 46348, MedGen C1833661, MONDO:0008179, OMIM 167400.
Inborn genetic diseases. Identifiers: MedGen C0950123, MeSH D030342.
Channelopathy-associated congenital insensitivity to pain, autosomal recessive. Also called: Insensitivity to pain, channelopathy-associated; ASYMBOLIA FOR PAIN; CONGENITAL ANALGESIA, AUTOSOMAL RECESSIVE. Identifiers: Orphanet 88642, Orphanet 970, MedGen C1855739, MONDO:0009459, OMIM 243000.
Neuropathy, hereditary sensory and autonomic, type 2A (HSAN2A). Also called: MORVAN DISEASE; NEUROPATHY, CONGENITAL SENSORY; NEUROPATHY, HEREDITARY SENSORY RADICULAR, AUTOSOMAL RECESSIVE; NEUROPATHY, HEREDITARY SENSORY, TYPE IIA; NEUROPATHY, PROGRESSIVE SENSORY, OF CHILDREN; HSAN IIA. Identifiers: Orphanet 970, MedGen C2752089, MONDO:0024309, OMIM 201300.
Generalized epilepsy with febrile seizures plus, type 7 (GEFSP7). Also called: GEFS+, TYPE 7. Identifiers: Orphanet 36387, MedGen C2751778, MONDO:0013470, OMIM 613863.
Primary erythromelalgia. Also called: SCN9A Erythromelalgia (SCN9A-EM); primary erythermalgia. Identifiers: Orphanet 306577, Orphanet 90026, MedGen C0014805, MONDO:0007571, OMIM 133020.

Allele frequency attached by ClinVar (database versions not stated): gnomAD exomes below 0.00001; TOPMed below 0.00001.

Submissions (5):

Labcorp Genetics (formerly Invitae), Labcorp
Classification: Uncertain significance for Neuropathy, hereditary sensory and autonomic, type 2A; Generalized epilepsy with febrile seizures plus, type 7. Last evaluated: 2024-11-20. Review status: criteria provided, single submitter. Criteria: Invitae Variant Classification Sherloc (09022015). Collection method: clinical testing. Allele origin: germline.
Comment: This sequence change replaces asparagine, which is neutral and polar, with serine, which is neutral and polar, at codon 365 of the SCN9A protein (p.Asn365Ser). The frequency data for this variant in the population databases is considered unreliable, as metrics indicate poor data quality at this position in the gnomAD database. This variant has not been reported in the literature in individuals affected with SCN9A-related conditions. ClinVar contains an entry for this variant (Variation ID: 331995). Invitae Evidence Modeling of protein sequence and biophysical properties (such as structural, functional, and spatial information, amino acid conservation, physicochemical variation, residue mobility, and thermodynamic stability) indicates that this missense variant is not expected to disrupt SCN9A protein function with a negative predictive value of 95%. In summary, the available evidence is currently insufficient to determine the role of this variant in disease. Therefore, it has been classified as a Variant of Uncertain Significance.

Ambry Genetics
Classification: Uncertain significance for Inborn genetic diseases. Last evaluated: 2019-09-18. Review status: criteria provided, single submitter. Criteria: Ambry Variant Classification Scheme 2023. Collection method: clinical testing. Allele origin: germline.
Comment: The p.N365S variant (also known as c.1094A>G), located in coding exon 8 of the SCN9A gene, results from an A to G substitution at nucleotide position 1094. The asparagine at codon 365 is replaced by serine, an amino acid with highly similar properties. This amino acid position is well conserved in available vertebrate species. In addition, the in silico prediction for this alteration is inconclusive. Since supporting evidence is limited at this time, the clinical significance of this alteration remains unclear.

Illumina Laboratory Services, Illumina
Classification: Uncertain significance for Primary erythromelalgia. Last evaluated: 2018-01-13. Review status: criteria provided, single submitter. Criteria: ICSL Variant Classification Criteria 13 December 2019. Collection method: clinical testing. Allele origin: germline.

Illumina Laboratory Services, Illumina
Classification: Uncertain significance for Paroxysmal extreme pain disorder. Last evaluated: 2018-01-13. Review status: criteria provided, single submitter. Criteria: ICSL Variant Classification Criteria 13 December 2019. Collection method: clinical testing. Allele origin: germline.

Illumina Laboratory Services, Illumina
Classification: Uncertain significance for Channelopathy-associated congenital insensitivity to pain, autosomal recessive. Last evaluated: 2018-01-13. Review status: criteria provided, single submitter. Criteria: ICSL Variant Classification Criteria 13 December 2019. Collection method: clinical testing. Allele origin: germline.